The following is an entry in ClinVar:

NM_133497.4(KCNV2):c.1609C>T (p.Pro537Ser)

Gene: KCNV2 (potassium voltage-gated channel modifier subfamily V member 2; plus strand). Cytogenetic location: 9p24.2.
Variant type: single nucleotide variant.
Coding change: c.1609C>T on transcript NM_133497.4 (MANE Select); coding-DNA position 1609, C replaced by T.
Protein change: p.Pro537Ser; replaces proline 537 with serine.
Molecular consequence: missense variant.
Genome position (GRCh38, 1-based): chr9:2,729,698, C>T. VCF-style: chr9-2729698-C-T. GRCh37 (hg19) VCF-style: chr9-2729698-C-T.
Other names: short protein forms P537S.
Identifiers: ClinVar variation 834167 (VCV000834167.11), dbSNP rs757778905, ClinGen allele CA4965952.

ClinVar aggregate classification (germline): Uncertain significance. Review status: criteria provided, multiple submitters, no conflicts (2 of 4 stars). 2 submissions from 2 submitters: Uncertain significance (2). Last evaluated 2023-08-10.

Conditions:
Inborn genetic diseases. Identifiers: MedGen C0950123, MeSH D030342.

Allele frequency attached by ClinVar (database versions not stated): gnomAD below 0.00001 and 0.00001; TOPMed below 0.00001; ExAC 0.00007.
gnomAD v4.1: 34 of 1,613,902 alleles (0.0021%); highest among the groups gnomAD compares: South Asian, 0.036%; 2 homozygotes.

Submissions (2):

Labcorp Genetics (formerly Invitae), Labcorp
Classification: Uncertain significance. Last evaluated: 2023-08-10. Review status: criteria provided, single submitter. Criteria: Invitae Variant Classification Sherloc (09022015). Collection method: clinical testing. Allele origin: germline.
Comment: This sequence change replaces proline, which is neutral and non-polar, with serine, which is neutral and polar, at codon 537 of the KCNV2 protein (p.Pro537Ser). This variant is present in population databases (rs757778905, gnomAD 0.04%). This variant has not been reported in the literature in individuals affected with KCNV2-related conditions. ClinVar contains an entry for this variant (Variation ID: 834167). Advanced modeling of protein sequence and biophysical properties (such as structural, functional, and spatial information, amino acid conservation, physicochemical variation, residue mobility, and thermodynamic stability) performed at Invitae indicates that this missense variant is not expected to disrupt KCNV2 protein function. In summary, the available evidence is currently insufficient to determine the role of this variant in disease. Therefore, it has been classified as a Variant of Uncertain Significance.

Ambry Genetics
Classification: Uncertain significance for Inborn genetic diseases. Last evaluated: 2022-11-22. Review status: criteria provided, single submitter. Criteria: Ambry Variant Classification Scheme 2023. Collection method: clinical testing. Allele origin: germline.